The following is an entry in ClinVar:

ClinVar aggregate classification (germline): Benign/Likely benign. Review status: criteria provided, multiple submitters, no conflicts (2 of 4 stars). 4 submissions from 4 submitters: Benign (1); Likely benign (3). Last evaluated 2026-05-21.

Conditions:
Neurofibromatosis, type 1 (NF1). Also called: Peripheral type neurofibromatosis; Neurofibromatosis, type I; VON RECKLINGHAUSEN DISEASE; NEUROFIBROMATOSIS, TYPE I, SOMATIC. Identifiers: Orphanet 636, MedGen C0027831, MONDO:0018975, OMIM 162200. Disease mechanism: loss of function.
Hereditary cancer-predisposing syndrome. Also called: Hereditary neoplastic syndrome; Neoplastic Syndromes, Hereditary; Hereditary Cancer Syndrome; Tumor predisposition. Identifiers: Orphanet 140162, MedGen C0027672, MeSH D009386, MONDO:0015356.
Cardiovascular phenotype. Identifiers: MedGen CN230736.

Allele frequency attached by ClinVar (database versions not stated): gnomAD exomes below 0.00001.
gnomAD v4.1: 1 of 1,610,492 alleles (0.000062%); highest among the groups gnomAD compares: Non-Finnish European, 0.000085%; no homozygotes.

Submissions (4):

Myriad Genetics, Inc.
Classification: Benign for Neurofibromatosis, type 1. Last evaluated: 2026-05-21. Review status: criteria provided, single submitter. Criteria: Myriad Autosomal Dominant, Autosomal Recessive and X-Linked Classification Criteria (2023). Collection method: clinical testing. Allele origin: unknown.
Comment: This variant is considered benign. This variant is a silent/synonymous amino acid change and it is not expected to impact splicing.

Labcorp Genetics (formerly Invitae), Labcorp
Classification: Likely benign for Neurofibromatosis, type 1. Last evaluated: 2024-04-22. Review status: criteria provided, single submitter. Criteria: Invitae Variant Classification Sherloc (09022015). Collection method: clinical testing. Allele origin: germline.

Genome-Nilou Lab
Classification: Likely benign for Neurofibromatosis, type 1. Last evaluated: 2022-03-15. Review status: criteria provided, single submitter. Criteria: ACMG Guidelines, 2015. Collection method: clinical testing. Allele origin: germline. Affected: no.

Ambry Genetics
Classification: Likely benign for Cardiovascular phenotype; Hereditary cancer-predisposing syndrome. Last evaluated: 2016-06-23. Review status: criteria provided, single submitter. Criteria: Ambry Variant Classification Scheme 2023. Collection method: clinical testing. Allele origin: germline.

NM_001042492.3(NF1):c.7230C>T (p.Val2410=)

Gene: NF1 (neurofibromin 1; plus strand). Cytogenetic location: 17q11.2.
Variant type: single nucleotide variant.
Coding change: c.7230C>T on transcript NM_001042492.3 (MANE Select); coding-DNA position 7230, C replaced by T.
Protein change: p.Val2410=; no amino-acid change (valine 2410 retained).
Molecular consequence: synonymous variant.
Genome position (GRCh38, 1-based): chr17:31,349,160, C>T. VCF-style: chr17-31349160-C-T. GRCh37 (hg19) VCF-style: chr17-29676178-C-T.
Other names: c.7167C>T, p.Val2389= (NM_000267.4).
Identifiers: ClinVar variation 480139 (VCV000480139.13), dbSNP rs1555536022, ClinGen allele CA499239085.
Genomic context (GRCh38, chr17:31,349,160, plus strand): 5'-TGTTTGTTTGTTTTTTGTAGGGTACAGGCATCCTTCACCTGCTATTGTTGCAAGAACAGT[C>T]AGAATTTTACATACACTACTAACTCTGGTTAACAAACACAGAAATTGTGACAAATTTGAA-3'
Protein context (NP_001035957.1, residues 2400-2420): HPSPAIVART[Val2410=]RILHTLLTLV